The following is an entry in ClinVar:

NM_001034850.3(RETREG1):c.44C>G (p.Pro15Arg)

Genes: RETREG1 (reticulophagy regulator 1; minus strand), RETREG1-AS1 (RETREG1 antisense RNA 1; plus strand), LOC129993734 (ATAC-STARR-seq lymphoblastoid silent region 15947; plus strand). Cytogenetic location: 5p15.1.
Variant type: single nucleotide variant.
Coding change: c.44C>G on transcript NM_001034850.3 (MANE Select); coding-DNA position 44, C replaced by G.
Protein change: p.Pro15Arg; replaces proline 15 with arginine.
Molecular consequence: missense variant.
Genome position (GRCh38, 1-based): chr5:16,616,928, G>C on the plus strand (C>G on the coding strand, the complement: RETREG1 is on the minus strand). VCF-style: chr5-16616928-G-C. GRCh37 (hg19) VCF-style: chr5-16617037-G-C.
Other names: c.44C>G (NM_001034850.1); short protein forms P15R.
Identifiers: ClinVar variation 2146037 (VCV002146037.5), dbSNP rs876661228, ClinGen allele CA359293138.
Genomic context (GRCh38, chr5:16,616,928, plus strand): 5'-GCGGGGGATGCCTGGGGCGGTGGCGGCGACGGCGGCGCCTGCTCCTCGGCGGCAGGAGCC[G>C]GGCATCCCTCCTCGGCGTGCTCCGGAGGCGCCGGGCTCGCCATCTTCAGCTGTGCTTCCA-3'
Protein context (NP_001030022.1, residues 5-25): APPEHAEEGC[Pro15Arg]APAAEEQAPP

ClinVar aggregate classification (germline): Uncertain significance. Review status: criteria provided, multiple submitters, no conflicts (2 of 4 stars). 2 submissions from 2 submitters: Uncertain significance (2). Last evaluated 2025-03-05.

Conditions:
Inborn genetic diseases. Identifiers: MedGen C0950123, MeSH D030342.

gnomAD v4.1: 4 of 1,475,766 alleles (0.00027%); highest among the groups gnomAD compares: Non-Finnish European, 0.00036%; no homozygotes.

Submissions (2):

Ambry Genetics
Classification: Uncertain significance for Inborn genetic diseases. Last evaluated: 2025-03-05. Review status: criteria provided, single submitter. Criteria: Ambry Variant Classification Scheme 2023. Collection method: clinical testing. Allele origin: germline.

Labcorp Genetics (formerly Invitae), Labcorp
Classification: Uncertain significance. Last evaluated: 2022-07-13. Review status: criteria provided, single submitter. Criteria: Invitae Variant Classification Sherloc (09022015). Collection method: clinical testing. Allele origin: germline.
Comment: This variant has not been reported in the literature in individuals affected with RETREG1-related conditions. This sequence change replaces proline, which is neutral and non-polar, with arginine, which is basic and polar, at codon 15 of the RETREG1 protein (p.Pro15Arg). This variant is not present in population databases (gnomAD no frequency). Algorithms developed to predict the effect of missense changes on protein structure and function are either unavailable or do not agree on the potential impact of this missense change (SIFT: "Tolerated"; PolyPhen-2: "Not Available"; Align-GVGD: "Class C0"). In summary, the available evidence is currently insufficient to determine the role of this variant in disease. Therefore, it has been classified as a Variant of Uncertain Significance.